The following is an entry in ClinVar:

NM_001040108.2(MLH3):c.2030C>T (p.Thr677Met)

Gene: MLH3 (mutL homolog 3; minus strand). Cytogenetic location: 14q24.3.
Variant type: single nucleotide variant.
Coding change: c.2030C>T on transcript NM_001040108.2 (MANE Select); coding-DNA position 2030, C replaced by T.
Protein change: p.Thr677Met; replaces threonine 677 with methionine.
Molecular consequence: missense variant.
Genome position (GRCh38, 1-based): chr14:75,047,626, G>A on the plus strand (C>T on the coding strand, the complement: MLH3 is on the minus strand). VCF-style: chr14-75047626-G-A. GRCh37 (hg19) VCF-style: chr14-75514329-G-A.
Other names: c.2030C>T, p.Thr677Met (NM_014381.3); short protein forms T677M.
Identifiers: ClinVar variation 2623813 (VCV002623813.3), dbSNP rs771931381, ClinGen allele CA7275774.

ClinVar aggregate classification (germline): Uncertain significance (1 of 4 stars; one submission).

Allele frequency attached by ClinVar (database versions not stated): gnomAD exomes 0.00001; TOPMed below 0.00001; gnomAD 0.00001; ExAC 0.00002.

Submission:

Ambry Genetics
Classification: Uncertain significance. Last evaluated: 2025-09-21. Review status: criteria provided, single submitter. Criteria: Ambry Variant Classification Scheme 2023. Collection method: clinical testing. Allele origin: germline.
Comment: The p.T677M variant (also known as c.2030C>T), located in coding exon 1 of the MLH3 gene, results from a C to T substitution at nucleotide position 2030. The threonine at codon 677 is replaced by methionine, an amino acid with similar properties. This amino acid position is not well conserved in available vertebrate species. In addition, this alteration is predicted to be tolerated by in silico analysis. The evidence for this gene-disease relationship is limited; therefore, the clinical significance of this alteration is unclear.